The following is an entry in ClinVar:

NM_032634.4(PIGO):c.2435T>G (p.Leu812Ter)

Gene: PIGO (phosphatidylinositol glycan anchor biosynthesis class O; minus strand). Cytogenetic location: 9p13.3.
Variant type: single nucleotide variant.
Coding change: c.2435T>G on transcript NM_032634.4 (MANE Select); coding-DNA position 2435, T replaced by G.
Protein change: p.Leu812Ter; replaces leucine 812 with a stop codon.
Molecular consequence: nonsense. On other transcripts: intron variant (2).
Genome position (GRCh38, 1-based): chr9:35,091,452, A>C on the plus strand (T>G on the coding strand, the complement: PIGO is on the minus strand). VCF-style: chr9-35091452-A-C. GRCh37 (hg19) VCF-style: chr9-35091449-A-C.
Other names: c.1345-161T>G (NM_152850.4, NM_001201484.2); short protein forms L812*.
Identifiers: ClinVar variation 1098675 (VCV001098675.8), dbSNP rs746967719, ClinGen allele CA373319788.

ClinVar aggregate classification (germline): Conflicting classifications of pathogenicity. Review status: criteria provided, conflicting classifications (1 of 4 stars). 5 submissions from 5 submitters: Pathogenic (1); Likely pathogenic (3); Uncertain significance (1). Last evaluated 2023-08-29.

Conditions:
Hyperphosphatasia with impaired intellectual development syndrome 2. Also called: Hyperphosphatasia with intellectual disability syndrome 2; GLYCOSYLPHOSPHATIDYLINOSITOL BIOSYNTHESIS DEFECT 6. Identifiers: Orphanet 247262, MedGen C3553637, MONDO:0013882, OMIM 614749.

Submissions (5):

Department of Pathology and Laboratory Medicine, Sinai Health System
Classification: Likely pathogenic for Hyperphosphatasia with impaired intellectual development syndrome 2. Last evaluated: 2023-08-29. Review status: criteria provided, single submitter. Criteria: ACMG Guidelines, 2015. Collection method: research. Allele origin: germline.

Labcorp Genetics (formerly Invitae), Labcorp
Classification: Pathogenic for Hyperphosphatasia with impaired intellectual development syndrome 2. Last evaluated: 2021-12-23. Review status: criteria provided, single submitter. Criteria: Invitae Variant Classification Sherloc (09022015). Collection method: clinical testing. Allele origin: germline.
Comment: This sequence change creates a premature translational stop signal (p.Leu812*) in the PIGO gene. It is expected to result in an absent or disrupted protein product. Loss-of-function variants in PIGO are known to be pathogenic (PMID: 22683086, 24417746). This variant is not present in population databases (gnomAD no frequency). This variant has not been reported in the literature in individuals affected with PIGO-related conditions. ClinVar contains an entry for this variant (Variation ID: 1098675). For these reasons, this variant has been classified as Pathogenic.

New York Genome Center
Classification: Likely pathogenic for Hyperphosphatasia with impaired intellectual development syndrome 2. Last evaluated: 2021-08-27. Review status: criteria provided, single submitter. Criteria: NYGC Assertion Criteria 2020. Collection method: clinical testing. Allele origin: de novo, germline. Observed: 3 heterozygotes. Clinical features observed: Seizure (HP:0001250), Autism (HP:0000717), Intellectual disability (HP:0001249), Abnormal facial shape (HP:0001999), Hypertonia (HP:0001276), Hypoxemia (HP:0012418), Pseudohypoaldosteronism (HP:0008242), Hyperkalemia (HP:0002153), Hypernatremia (HP:0003228), Microcephaly (HP:0000252). Study: CSER-NYCKidSeq.

Breakthrough Genomics
Classification: Uncertain significance. Review status: criteria provided, single submitter. Criteria: ACMG Guidelines, 2015. Collection method: not provided. Allele origin: germline. Inheritance: Autosomal recessive inheritance. Affected: yes.

Neuberg Centre For Genomic Medicine, NCGM
Classification: Likely pathogenic for Hyperphosphatasia with impaired intellectual development syndrome 2. Review status: criteria provided, single submitter. Criteria: ACMG Guidelines, 2015. Collection method: clinical testing. Allele origin: germline. Inheritance: Autosomal recessive inheritance. Affected: yes.
Comment: The observed stop gained c.2435T>G(p.Leu812Ter) variant in PIGO gene has not been reported previously as a pathogenic variant nor as a benign variant, to our knowledge. This variant is absent in gnomAD Exomes. This variant has been reported to the ClinVar database as Likely Pathogenic / Pathogenic. This variant is predicted to cause loss of normal protein function either through protein truncation or nonsense-mediated mRNA decay. Loss of function variants have been previously reported to be disease causing. For these reasons, this variant has been classified as Likely Pathogenic. In the absence of another reportable variant, the molecular diagnosis is not confirmed.

Literature cited by the submitters: PubMed 22683086 (cited by Labcorp Genetics (formerly Invitae), Labcorp); PubMed 24417746 (cited by Labcorp Genetics (formerly Invitae), Labcorp).